The following is an entry in ClinVar:

NM_001360.3(DHCR7):c.330_331del (p.Tyr111fs)

Gene: DHCR7 (7-dehydrocholesterol reductase; minus strand). Cytogenetic location: 11q13.4.
Variant type: Deletion.
Coding change: c.330_331del on transcript NM_001360.3 (MANE Select); coding-DNA positions 330 to 331, 2 bases deleted (GT; older notation c.330_331delGT).
Protein change: p.Tyr111fs; shifts the reading frame from tyrosine 111.
Molecular consequence: frameshift variant.
Genome position (GRCh38, 1-based): chr11:71,442,344-71,442,345, AC deleted on the plus strand (GT on the coding strand, the reverse complement: DHCR7 is on the minus strand); deleting any 2 consecutive bases within chr11:71,442,344-71,442,346 gives the same sequence; the c. name uses the placement nearest the transcript's 3' end. VCF-style (leftmost placement, unchanged base first): chr11-71442343-TAC-T. GRCh37 (hg19) VCF-style: chr11-71153389-TAC-T.
Other names: c.330_331del, p.Tyr111fs (NM_001163817.2, NM_001425107.1, NM_001425109.1 and 7 more transcripts); c.366_367del, p.Tyr123fs (NM_001425108.1); c.270_271del, p.Tyr91fs (NM_001425113.1); c.234_235del, p.Tyr79fs (NM_001425114.1, NM_001425116.1); c.156_157del, p.Tyr53fs (NM_001425117.1); short protein forms Y111fs, Y123fs, Y53fs, Y79fs, Y91fs.
Identifiers: ClinVar variation 5013470 (VCV005013470.1).
Genomic context (GRCh38, chr11:71,442,343, plus strand): 5'-TCCTGGATGCCTCCTACGTAGCCGGGTAGAAACTTATGGCAGAAGTCAGGGAGAGACGTG[TAC>T]AGAAGCACCTGAAACACACAAGCAGCCTGATCACCCCCCGCCTGGAGGGCACCTGCAAAG-3'

ClinVar aggregate classification (germline): Pathogenic (1 of 4 stars; one submission).

Conditions:
Smith-Lemli-Opitz syndrome (SLOS). Also called: LETHAL ACRODYSGENITAL SYNDROME; POLYDACTYLY, SEX REVERSAL, RENAL HYPOPLASIA, AND UNILOBAR LUNG; RSH SYNDROME; RUTLEDGE LETHAL MULTIPLE CONGENITAL ANOMALY SYNDROME; 7-Dehydrocholesterol reductase deficiency. Identifiers: Orphanet 818, MedGen C0175694, MONDO:0010035, OMIM 270400.

Submission:

Myriad Genetics, Inc.
Classification: Pathogenic for Smith-Lemli-Opitz syndrome. Last evaluated: 2024-08-20. Review status: criteria provided, single submitter. Criteria: Myriad Autosomal Dominant, Autosomal Recessive and X-Linked Classification Criteria (2023). Collection method: clinical testing. Allele origin: unknown.
Comment: NM_001360.2(DHCR7):c.330_331delGT(Y111Hfs*5) is expected to be pathogenic in the context of Smith-Lemli-Opitz syndrome. This variant is predicted to lead to an abnormal or absent protein product due to the creation of a premature termination codon in DHCR7, a gene where loss-of-function variants are known to be pathogenic. Please note: this variant was assessed in the context of healthy population screening.